The following is an entry in ClinVar:

ClinVar aggregate classification (germline): Conflicting classifications of pathogenicity. Review status: criteria provided, conflicting classifications (1 of 4 stars). 3 submissions from 3 submitters: Uncertain significance (2); Benign (1). Last evaluated 2023-06-01.

Conditions:
T-B+ severe combined immunodeficiency due to JAK3 deficiency. Also called: SCID, T CELL-NEGATIVE, B CELL-POSITIVE, NK CELL-NEGATIVE; SCID, autosomal recessive, T-negative/B-positive type. Identifiers: Orphanet 35078, MedGen C1833275, MONDO:0010938, OMIM 600802.

Allele frequency attached by ClinVar (database versions not stated): 1000 Genomes Project 30x 0.00187; 1000 Genomes Project 0.00200; TOPMed 0.00594; gnomAD 0.00597 and 0.00605; gnomAD exomes 0.00991.

Submissions (3):

CeGaT Center for Human Genetics Tuebingen
Classification: Benign. Last evaluated: 2023-06-01. Review status: criteria provided, single submitter. Criteria: CeGaT Center For Human Genetics Tuebingen Variant Classification Criteria Version 2. Collection method: clinical testing. Allele origin: germline. Affected: yes. Observed: 6 variant alleles.
Comment: JAK3: BS1, BS2

Illumina Laboratory Services, Illumina
Classification: Uncertain significance for T-B+ severe combined immunodeficiency due to JAK3 deficiency. Last evaluated: 2018-01-12. Review status: criteria provided, single submitter. Criteria: ICSL Variant Classification Criteria 13 December 2019. Collection method: clinical testing. Allele origin: germline.

Breakthrough Genomics
Classification: Uncertain significance. Review status: criteria provided, single submitter. Criteria: ACMG Guidelines, 2015. Collection method: not provided. Allele origin: germline. Inheritance: Autosomal dominant inheritance. Affected: yes.

NM_000215.4(JAK3):c.*73T>C

Gene: JAK3 (Janus kinase 3; minus strand). Cytogenetic location: 19p13.11.
Variant type: single nucleotide variant.
Coding change: c.*73T>C on transcript NM_000215.4 (MANE Select); 73 bases downstream of the stop codon, T replaced by C.
Molecular consequence: 3 prime UTR variant.
Genome position (GRCh38, 1-based): chr19:17,826,670, A>G on the plus strand (T>C on the coding strand, the complement: JAK3 is on the minus strand). VCF-style: chr19-17826670-A-G. GRCh37 (hg19) VCF-style: chr19-17937479-A-G.
Identifiers: ClinVar variation 892390 (VCV000892390.35), dbSNP rs149873298, ClinGen allele CA14698718.
Genomic context (GRCh38, chr19:17,826,670, plus strand): 5'-ATGCAATGTCATGGGGGTGTTCCTGAAGTAGAGGACCCTCATAAGGCCTCTGAGGCCCAG[A>G]GAGGGGCAGCTCCGGGCCTAAGGTCACACAGCCAGTCAACAGAGACCTAATCCAGAGGTC-3'